The following is an entry in ClinVar:

ClinVar aggregate classification (germline): Likely pathogenic (1 of 4 stars; one submission).

Allele frequency attached by ClinVar (database versions not stated): gnomAD exomes below 0.00001 and 0.00001; gnomAD 0.00001; ExAC 0.00002; TOPMed 0.00002.

Submission:

GeneDx
Classification: Likely pathogenic. Last evaluated: 2013-09-06. Review status: criteria provided, single submitter. Criteria: GeneDx Variant Classification (06012015). Collection method: clinical testing. Allele origin: germline. Affected: yes.
Comment: c.1126+3_1126+4dupAA: IVS12+3_IVS12+4dupAA in intron 12 of the PNKP gene (NM_007254.2) The c.1126+3_1126+4dupAA variant has not been published as a mutation, nor has it been reported as a benign polymorphism to our knowledge. Multiple in silico splice prediction algorithms suggest it may damage or even destroy the natural splice donor site in intron 12, possibly leading to abnormal gene splicing. While c.1126+3_1126+4dupAA is a strong candidate for a disease-causing mutation, in the absence of RNA/functional studies the effect of the c.1126+3_1126+4dupAA sequence change on protein function is unknown, and the possibility that it is a benign variant cannot be excluded. The variant is found in INFANT-EPI,EPILEPSY panel(s).

NM_007254.4(PNKP):c.1126+3_1126+4dup

Gene: PNKP (polynucleotide kinase 3'-phosphatase; minus strand). Cytogenetic location: 19q13.33.
Variant type: Duplication.
Coding change: c.1126+3_1126+4dup on transcript NM_007254.4 (MANE Select); bases 3 to 4 of the intron after coding-DNA position 1126, 2 bases duplicated (AA; older notation c.1126+3_1126+4dupAA).
Molecular consequence: intron variant.
Genome position (GRCh38, 1-based): chr19:49,862,181-49,862,182, TT duplicated on the plus strand (AA on the coding strand, the reverse complement: PNKP is on the minus strand). VCF-style (leftmost placement, unchanged base first): chr19-49862180-C-CTT. GRCh37 (hg19) VCF-style: chr19-50365437-C-CTT.
Other names: IVS12+3_IVS12+4dupAA.
Identifiers: ClinVar variation 206425 (VCV000206425.1), dbSNP rs750550558, ClinGen allele CA316526.